The following is an entry in ClinVar:

ClinVar aggregate classification (germline): Likely benign (1 of 4 stars; one submission).

gnomAD v4.1: 54 of 1,528,350 alleles (0.0035%); highest among the groups gnomAD compares: African/African-American, 0.0084%; no homozygotes.

Submission:

CeGaT Center for Human Genetics Tuebingen
Classification: Likely benign. Last evaluated: 2024-06-01. Review status: criteria provided, single submitter. Criteria: CeGaT Center For Human Genetics Tuebingen Variant Classification Criteria Version 2. Collection method: clinical testing. Allele origin: germline. Affected: yes. Observed: 1 variant allele.
Comment: WDFY3: BP4, BS1

NM_014991.6(WDFY3):c.1888-5T>C

Genes: WDFY3 (WD repeat and FYVE domain containing 3; minus strand), WDFY3-AS1 (WDFY3 antisense RNA 1; plus strand). Cytogenetic location: 4q21.23.
Variant type: single nucleotide variant.
Coding change: c.1888-5T>C on transcript NM_014991.6 (MANE Select); 5 bases into the intron before coding-DNA position 1888, T replaced by C.
Molecular consequence: intron variant. On other transcripts: non-coding transcript variant (1).
Genome position (GRCh38, 1-based): chr4:84,810,349, A>G on the plus strand (T>C on the coding strand, the complement: WDFY3 is on the minus strand). VCF-style: chr4-84810349-A-G. GRCh37 (hg19) VCF-style: chr4-85731502-A-G.
Identifiers: ClinVar variation 3250651 (VCV003250651.18), dbSNP rs376150569.